The following is an entry in ClinVar:

ClinVar aggregate classification (germline): Likely pathogenic (1 of 4 stars; one submission).

Submission:

Labcorp Genetics (formerly Invitae), Labcorp
Classification: Likely pathogenic. Last evaluated: 2022-09-19. Review status: criteria provided, single submitter. Criteria: Invitae Variant Classification Sherloc (09022015). Collection method: clinical testing. Allele origin: germline.
Comment: In summary, the currently available evidence indicates that the variant is pathogenic, but additional data are needed to prove that conclusively. Therefore, this variant has been classified as Likely Pathogenic. Algorithms developed to predict the effect of sequence changes on RNA splicing suggest that this variant may disrupt the consensus splice site. ClinVar contains an entry for this variant (Variation ID: 1479817). This variant has not been reported in the literature in individuals affected with IFNAR2-related conditions. This variant is not present in population databases (gnomAD no frequency). This sequence change affects a donor splice site in intron 4 of the IFNAR2 gene. It is expected to disrupt RNA splicing. Variants that disrupt the donor or acceptor splice site typically lead to a loss of protein function (PMID: 16199547), and loss-of-function variants in IFNAR2 are known to be pathogenic (PMID: 26424569, 33193576).

Literature cited by the submitters: PubMed 16199547; PubMed 26424569; PubMed 33193576.

NM_001289125.3(IFNAR2):c.221+2T>C

Genes: IFNAR2 (interferon alpha and beta receptor subunit 2; plus strand), IFNAR2-IL10RB (IFNAR2-IL10RB readthrough; plus strand). Cytogenetic location: 21q22.11.
Variant type: single nucleotide variant.
Coding change: c.221+2T>C on transcript NM_001289125.3 (MANE Select); the canonical splice donor site of the intron after coding-DNA position 221, T replaced by C.
Molecular consequence: splice donor variant.
Genome position (GRCh38, 1-based): chr21:33,245,076, T>C. VCF-style: chr21-33245076-T-C. GRCh37 (hg19) VCF-style: chr21-34617381-T-C.
Other names: c.221+2T>C (NM_001414505.1, NM_000874.5, NM_001289128.2 and 5 more transcripts).
Identifiers: ClinVar variation 1479817 (VCV001479817.8), dbSNP rs2123478681, ClinGen allele CA410096061.